The following is an entry in ClinVar:

ClinVar aggregate classification (germline): Uncertain significance (0 of 4 stars; one submission).

Conditions:
SMAD3-related disorder. Also called: SMAD3-related condition.

Submission:

PreventionGenetics, part of Exact Sciences
Classification: Uncertain significance for SMAD3-related condition. Last evaluated: 2023-12-13. Review status: no assertion criteria provided. Collection method: clinical testing. Allele origin: germline.
Comment: The SMAD3 c.242A>T variant is predicted to result in the amino acid substitution p.Lys81Met. To our knowledge, this variant has not been reported in the literature or in a large population database, indicating this variant is rare. At this time, the clinical significance of this variant is uncertain due to the absence of conclusive functional and genetic evidence.

NM_005902.4(SMAD3):c.242A>T (p.Lys81Met)

Gene: SMAD3 (SMAD family member 3; plus strand). Cytogenetic location: 15q22.33.
Variant type: single nucleotide variant.
Coding change: c.242A>T on transcript NM_005902.4 (MANE Select); coding-DNA position 242, A replaced by T.
Protein change: p.Lys81Met; replaces lysine 81 with methionine.
Molecular consequence: missense variant. On other transcripts: 5 prime UTR variant (3).
Genome position (GRCh38, 1-based): chr15:67,164,930, A>T. VCF-style: chr15-67164930-A-T. GRCh37 (hg19) VCF-style: chr15-67457268-A-T.
Other names: c.-74A>T (NM_001145102.2, NM_001407015.1, NM_001407016.1); c.110A>T, p.Lys37Met (NM_001145103.2); c.242A>T, p.Lys81Met (NM_001407011.1, NM_001407012.1, NM_001407013.1); c.95A>T, p.Lys32Met (NM_001407014.1); short protein forms K32M, K37M, K81M.
Identifiers: ClinVar variation 2633920 (VCV002633920.3), dbSNP rs2140293757, ClinGen allele CA392953577.